The following is an entry in ClinVar:

NM_000687.4(AHCY):c.685G>A (p.Ala229Thr)

Gene: AHCY (adenosylhomocysteinase; minus strand). Cytogenetic location: 20q11.22.
Variant type: single nucleotide variant.
Coding change: c.685G>A on transcript NM_000687.4 (MANE Select); coding-DNA position 685, G replaced by A.
Protein change: p.Ala229Thr; replaces alanine 229 with threonine.
Molecular consequence: missense variant.
Genome position (GRCh38, 1-based): chr20:34,290,812, C>T on the plus strand (G>A on the coding strand, the complement: AHCY is on the minus strand). VCF-style: chr20-34290812-C-T. GRCh37 (hg19) VCF-style: chr20-32878618-C-T.
Other names: c.601G>A, p.Ala201Thr (NM_001161766.2, NM_001322084.2, NM_001322085.2); c.691G>A, p.Ala231Thr (NM_001322086.2); c.685G>A, p.Ala229Thr (NM_001362750.2); short protein forms A229T, A231T, A201T.
Identifiers: ClinVar variation 957545 (VCV000957545.8), dbSNP rs767066341, ClinGen allele CA9820923.

ClinVar aggregate classification (germline): Uncertain significance (1 of 4 stars; one submission).

Conditions:
Hypermethioninemia with deficiency of S-adenosylhomocysteine hydrolase. Identifiers: Orphanet 88618, MedGen C3151058, MONDO:0013404, OMIM 613752.

Allele frequency attached by ClinVar (database versions not stated): gnomAD exomes below 0.00001; ExAC 0.00001.

Submission:

Labcorp Genetics (formerly Invitae), Labcorp
Classification: Uncertain significance for Hypermethioninemia with deficiency of S-adenosylhomocysteine hydrolase. Last evaluated: 2020-08-21. Review status: criteria provided, single submitter. Criteria: Invitae Variant Classification Sherloc (09022015). Collection method: clinical testing. Allele origin: germline.
Comment: This sequence change replaces alanine with threonine at codon 229 of the AHCY protein (p.Ala229Thr). The alanine residue is moderately conserved and there is a small physicochemical difference between alanine and threonine. This variant is present in population databases (rs767066341, ExAC 0.002%). This variant has not been reported in the literature in individuals with AHCY-related conditions. Algorithms developed to predict the effect of missense changes on protein structure and function are either unavailable or do not agree on the potential impact of this missense change (SIFT: "Not Available"; PolyPhen-2: "Possibly Damaging"; Align-GVGD: "Not Available"). In summary, the available evidence is currently insufficient to determine the role of this variant in disease. Therefore, it has been classified as a Variant of Uncertain Significance.